The following is an entry in ClinVar:

ClinVar aggregate classification (germline): Benign/Likely benign. Review status: criteria provided, multiple submitters, no conflicts (2 of 4 stars). 4 submissions from 4 submitters: Benign (2); Likely benign (2). Last evaluated 2026-07-14.

Conditions:
FGFR3-related disorder. Also called: FGFR3-related disorders.

Allele frequency attached by ClinVar (database versions not stated): gnomAD exomes 0.00002 and 0.00008; ExAC 0.00006; 1000 Genomes Project 0.00020; gnomAD 0.00020 and 0.00021; ESP Exome Variant Server 0.00023; TOPMed 0.00027; 1000 Genomes Project 30x 0.00031.
gnomAD v4.1: 67 of 1,608,486 alleles (0.0042%); highest among the groups gnomAD compares: African/African-American, 0.071%; no homozygotes.

Submissions (4):

PreventionGenetics, part of Exact Sciences
Classification: Likely benign for FGFR3-related condition. Last evaluated: 2026-07-14. Review status: criteria provided, single submitter. Criteria: ACMG Guidelines, 2015. Collection method: clinical testing. Allele origin: germline.
Comment: This variant is classified as likely benign based on ACMG/AMP sequence variant interpretation guidelines (Richards et al. 2015 PMID: 25741868, with internal and published modifications).

Labcorp Genetics (formerly Invitae), Labcorp
Classification: Benign. Last evaluated: 2024-05-07. Review status: criteria provided, single submitter. Criteria: Invitae Variant Classification Sherloc (09022015). Collection method: clinical testing. Allele origin: germline.

Blueprint Genetics
Classification: Likely benign. Last evaluated: 2022-10-14. Review status: criteria provided, single submitter. Criteria: ACMG Guidelines, 2015. Collection method: clinical testing. Allele origin: germline.

Athena Diagnostics
Classification: Benign. Last evaluated: 2018-04-11. Review status: criteria provided, single submitter. Criteria: Athena Diagnostics Criteria. Collection method: clinical testing. Allele origin: germline.

NM_000142.5(FGFR3):c.771G>A (p.Ala257=)

Gene: FGFR3 (fibroblast growth factor receptor 3; plus strand). Cytogenetic location: 4p16.3.
Variant type: single nucleotide variant.
Coding change: c.771G>A on transcript NM_000142.5 (MANE Select); coding-DNA position 771, G replaced by A.
Protein change: p.Ala257=; no amino-acid change (alanine 257 retained).
Molecular consequence: synonymous variant. On other transcripts: non-coding transcript variant (1).
Genome position (GRCh38, 1-based): chr4:1,801,866, G>A. VCF-style: chr4-1801866-G-A. GRCh37 (hg19) VCF-style: chr4-1803593-G-A.
Other names: c.771G>A, p.Ala257= (NM_001163213.2, NM_001354809.2, NM_001354810.2 and 1 more transcripts).
Identifiers: ClinVar variation 465356 (VCV000465356.15), dbSNP rs138334098, ClinGen allele CA2809976.